The following is an entry in ClinVar:

NM_017633.3(TENT5A):c.829A>C (p.Asn277His)

Gene: TENT5A (terminal nucleotidyltransferase 5A; minus strand). Cytogenetic location: 6q14.1.
Variant type: single nucleotide variant.
Coding change: c.829A>C on transcript NM_017633.3 (MANE Select); coding-DNA position 829, A replaced by C.
Protein change: p.Asn277His; replaces asparagine 277 with histidine.
Molecular consequence: missense variant.
Genome position (GRCh38, 1-based): chr6:81,750,195, T>G on the plus strand (A>C on the coding strand, the complement: TENT5A is on the minus strand). VCF-style: chr6-81750195-T-G. GRCh37 (hg19) VCF-style: chr6-82459912-T-G.
Other names: short protein forms N277H.
Identifiers: ClinVar variation 1680587 (VCV001680587.8), dbSNP rs1025884934, ClinGen allele CA142483223.
Genomic context (GRCh38, chr6:81,750,195, plus strand): 5'-AGTACTTAAGCAGGCCTCCCCCTCGGATTTCCTCTGGGTTCCTGGTGGCAATGATCTTGT[T>G]ACAAAGGTGATCAAAGGCTTCCTGGAAATCGCCATAGACGCTCTCCCCGATTATTGTGGG-3'
Protein context (NP_060103.2, residues 267-287): DFQEAFDHLC[Asn277His]KIIATRNPEE

ClinVar aggregate classification (germline): Uncertain significance (1 of 4 stars; one submission).

Allele frequency attached by ClinVar (database versions not stated): gnomAD 0.00001; TOPMed 0.00002.
gnomAD v4.1: 2 of 1,614,034 alleles (0.00012%); highest among the groups gnomAD compares: Admixed American, 0.0033%; no homozygotes.

Submission:

Labcorp Genetics (formerly Invitae), Labcorp
Classification: Uncertain significance. Last evaluated: 2021-04-27. Review status: criteria provided, single submitter. Criteria: Invitae Variant Classification Sherloc (09022015). Collection method: clinical testing. Allele origin: germline.
Comment: In summary, the available evidence is currently insufficient to determine the role of this variant in disease. Therefore, it has been classified as a Variant of Uncertain Significance. Algorithms developed to predict the effect of missense changes on protein structure and function (SIFT, PolyPhen-2, Align-GVGD) all suggest that this variant is likely to be tolerated, but these predictions have not been confirmed by published functional studies and their clinical significance is uncertain. This variant has not been reported in the literature in individuals with FAM46A-related conditions. This variant is not present in population databases (ExAC no frequency). This sequence change replaces asparagine with histidine at codon 277 of the FAM46A protein (p.Asn277His). The asparagine residue is highly conserved and there is a small physicochemical difference between asparagine and histidine.